The following is an entry in ClinVar:

ClinVar aggregate classification (germline): Conflicting classifications of pathogenicity. Review status: criteria provided, conflicting classifications (1 of 4 stars). 4 submissions from 4 submitters: Uncertain significance (3); Likely benign (1). Last evaluated 2025-10-25.

Conditions:
Cardiovascular phenotype. Identifiers: MedGen CN230736.
Hypercholesterolemia, autosomal dominant, type B (FHCL2). Also called: Familial Hypercholesterolemia Type B; APOLIPOPROTEIN B-100, FAMILIAL DEFECTIVE; APOLIPOPROTEIN B-100, FAMILIAL LIGAND-DEFECTIVE; HYPERCHOLESTEROLEMIA, FAMILIAL, DUE TO LIGAND-DEFECTIVE APOLIPOPROTEIN B; Familial hypercholesterolemia 2; APOB-Related Familial Hypercholesterolemia, Autosomal Dominant. Identifiers: MedGen C1704417, MONDO:0007751, OMIM 144010.
Familial hypobetalipoproteinemia 1. Also called: APOB-Related Familial Hypobetalipoproteinemia; Hypobetalipoproteinemia, normotriglyceridemic; Acanthocytosis with hypobetalipoproteinemia. Identifiers: MedGen C4551990, MONDO:0014252, OMIM 615558.

Allele frequency attached by ClinVar (database versions not stated): gnomAD 0.00003; TOPMed 0.00005 and 0.00002; ESP Exome Variant Server 0.00008; gnomAD exomes below 0.00001.
gnomAD v4.1: 7 of 1,612,540 alleles (0.00043%); highest among the groups gnomAD compares: African/African-American, 0.0067%; no homozygotes.

Submissions (4):

Ambry Genetics
Classification: Uncertain significance for Cardiovascular phenotype. Last evaluated: 2025-10-25. Review status: criteria provided, single submitter. Criteria: Ambry Variant Classification Scheme 2023. Collection method: clinical testing. Allele origin: germline.
Comment: The p.L1060S variant (also known as c.3179T>C), located in coding exon 21 of the APOB gene, results from a T to C substitution at nucleotide position 3179. The leucine at codon 1060 is replaced by serine, an amino acid with dissimilar properties. This amino acid position is conserved. In addition, this alteration is predicted to be tolerated by in silico analysis. Since supporting evidence is limited at this time, the clinical significance of this alteration remains unclear.

GeneDx
Classification: Uncertain significance. Last evaluated: 2025-05-05. Review status: criteria provided, single submitter. Criteria: GeneDx Variant Classification Process June 2021. Collection method: clinical testing. Allele origin: germline. Affected: yes.
Comment: Not observed at significant frequency in large population cohorts (gnomAD); In silico analysis supports that this missense variant has a deleterious effect on protein structure/function; Has not been previously published as pathogenic or benign to our knowledge

Labcorp Genetics (formerly Invitae), Labcorp
Classification: Likely benign for Familial hypobetalipoproteinemia 1; Hypercholesterolemia, autosomal dominant, type B. Last evaluated: 2024-08-01. Review status: criteria provided, single submitter. Criteria: Invitae Variant Classification Sherloc (09022015). Collection method: clinical testing. Allele origin: germline.

Fulgent Genetics
Classification: Uncertain significance for Hypercholesterolemia, autosomal dominant, type B; Familial hypobetalipoproteinemia 1. Last evaluated: 2024-05-14. Review status: criteria provided, single submitter. Criteria: ACMG Guidelines, 2015. Collection method: clinical testing. Allele origin: germline.

NM_000384.3(APOB):c.3179T>C (p.Leu1060Ser)

Gene: APOB (apolipoprotein B; minus strand). Cytogenetic location: 2p24.1.
Variant type: single nucleotide variant.
Coding change: c.3179T>C on transcript NM_000384.3 (MANE Select); coding-DNA position 3179, T replaced by C.
Protein change: p.Leu1060Ser; replaces leucine 1060 with serine.
Molecular consequence: missense variant.
Genome position (GRCh38, 1-based): chr2:21,016,592, A>G on the plus strand (T>C on the coding strand, the complement: APOB is on the minus strand). VCF-style: chr2-21016592-A-G. GRCh37 (hg19) VCF-style: chr2-21239464-A-G.
Other names: short protein forms L1060S.
Identifiers: ClinVar variation 3231397 (VCV003231397.6), dbSNP rs139857991, ClinGen allele CA43514871.